The following is an entry in ClinVar:

NM_020207.7(ERCC6L2):c.1015C>T (p.His339Tyr)

Gene: ERCC6L2 (ERCC excision repair 6 like 2; plus strand). Cytogenetic location: 9q22.32.
Variant type: single nucleotide variant.
Coding change: c.1015C>T on transcript NM_020207.7 (MANE Select); coding-DNA position 1015, C replaced by T.
Protein change: p.His339Tyr; replaces histidine 339 with tyrosine.
Molecular consequence: missense variant. On other transcripts: non-coding transcript variant (1).
Genome position (GRCh38, 1-based): chr9:95,916,291, C>T. VCF-style: chr9-95916291-C-T. GRCh37 (hg19) VCF-style: chr9-98678573-C-T.
Other names: c.1015C>T, p.His339Tyr (NM_001375291.1, NM_001375292.1, NM_001375293.1 and 2 more transcripts); short protein forms H339Y.
Identifiers: ClinVar variation 4825640 (VCV004825640.1).

ClinVar aggregate classification (germline): Uncertain significance (1 of 4 stars; one submission).

Conditions:
Inborn genetic diseases. Identifiers: MedGen C0950123, MeSH D030342.

gnomAD v4.1: 2 of 1,613,990 alleles (0.00012%); highest among the groups gnomAD compares: East Asian, 0.0022%; no homozygotes.

Submission:

Ambry Genetics
Classification: Uncertain significance for Inborn genetic diseases. Last evaluated: 2026-01-19. Review status: criteria provided, single submitter. Criteria: Ambry Variant Classification Scheme 2023. Collection method: clinical testing. Allele origin: germline.
Comment: The p.H339Y variant (also known as c.1015C>T), located in coding exon 6 of the ERCC6L2 gene, results from a C to T substitution at nucleotide position 1015. The histidine at codon 339 is replaced by tyrosine, an amino acid with similar properties. This amino acid position is conserved. In addition, the in silico prediction for this alteration is inconclusive. Based on the available evidence, the clinical significance of this variant remains unclear.